The following is an entry in ClinVar:

NM_207361.6(FREM2):c.6445A>G (p.Met2149Val)

Gene: FREM2 (FRAS1 related extracellular matrix 2; plus strand). Cytogenetic location: 13q13.3.
Variant type: single nucleotide variant.
Coding change: c.6445A>G on transcript NM_207361.6 (MANE Select); coding-DNA position 6445, A replaced by G.
Protein change: p.Met2149Val; replaces methionine 2149 with valine.
Molecular consequence: missense variant.
Genome position (GRCh38, 1-based): chr13:38,850,103, A>G. VCF-style: chr13-38850103-A-G. GRCh37 (hg19) VCF-style: chr13-39424240-A-G.
Other names: short protein forms M2149V.
Identifiers: ClinVar variation 1343774 (VCV001343774.3), dbSNP rs142821775, ClinGen allele CA6955568.

ClinVar aggregate classification (germline): Uncertain significance. Review status: criteria provided, multiple submitters, no conflicts (2 of 4 stars). 3 submissions from 3 submitters: Uncertain significance (3). Last evaluated 2024-10-08.

Allele frequency attached by ClinVar (database versions not stated): gnomAD 0.00001; ExAC 0.00002; gnomAD exomes 0.00002 and 0.00003; TOPMed 0.00002; ESP Exome Variant Server 0.00008.
gnomAD v4.1: 35 of 1,613,930 alleles (0.0022%); highest among the groups gnomAD compares: Middle Eastern, 0.033%; 1 homozygote.

Submissions (3):

Labcorp Genetics (formerly Invitae), Labcorp
Classification: Uncertain significance. Last evaluated: 2024-10-08. Review status: criteria provided, single submitter. Criteria: Invitae Variant Classification Sherloc (09022015). Collection method: clinical testing. Allele origin: germline.
Comment: This sequence change replaces methionine, which is neutral and non-polar, with valine, which is neutral and non-polar, at codon 2149 of the FREM2 protein (p.Met2149Val). This variant is present in population databases (rs142821775, gnomAD 0.01%). This missense change has been observed in individual(s) with partial androgen insensitivity syndrome (PMID: 33182400). ClinVar contains an entry for this variant (Variation ID: 1343774). An algorithm developed to predict the effect of missense changes on protein structure and function outputs the following: PolyPhen-2: "Benign". The valine amino acid residue is found in multiple mammalian species, which suggests that this missense change does not adversely affect protein function. In summary, the available evidence is currently insufficient to determine the role of this variant in disease. Therefore, it has been classified as a Variant of Uncertain Significance.

Blueprint Genetics
Classification: Uncertain significance. Last evaluated: 2024-04-19. Review status: criteria provided, single submitter. Criteria: ACMG Guidelines, 2015. Collection method: clinical testing. Allele origin: germline.

Women's Health and Genetics/Laboratory Corporation of America, LabCorp
Classification: Uncertain significance. Last evaluated: 2022-02-22. Review status: criteria provided, single submitter. Criteria: LabCorp Variant Classification Summary - May 2015. Collection method: clinical testing. Allele origin: germline.
Comment: Variant summary: FREM2 c.6445A>G (p.Met2149Val) results in a conservative amino acid change located in one of the Na-Ca exchanger/integrin-beta4 repeats (IPR003644) of the encoded protein sequence. Five of five in-silico tools predict a benign effect of the variant on protein function. The variant allele was found at a frequency of 3.2e-05 in 250724 control chromosomes (gnomAD). The available data on variant occurrences in the general population are insufficient to allow any conclusion about variant significance. To our knowledge, no occurrence of c.6445A>G in individuals affected with Cryptophthalmos Syndrome and no experimental evidence demonstrating an impact on protein function has been reported. No clinical diagnostic laboratories have submitted clinical-significance assessments for this variant to ClinVar after 2014. Based on the evidence outlined above, the variant was classified as uncertain significance.

Literature cited by the submitters: PubMed 33182400 (cited by Labcorp Genetics (formerly Invitae), Labcorp and Women's Health and Genetics/Laboratory Corporation of America, LabCorp).